The following is an entry in ClinVar:

ClinVar aggregate classification (germline): Uncertain significance (1 of 4 stars; one submission).

Allele frequency attached by ClinVar (database versions not stated): gnomAD exomes below 0.00001.
gnomAD v4.1: 2 of 1,553,218 alleles (0.00013%); highest among the groups gnomAD compares: South Asian, 0.0012%; no homozygotes.

Submission:

Labcorp Genetics (formerly Invitae), Labcorp
Classification: Uncertain significance. Last evaluated: 2025-02-10. Review status: criteria provided, single submitter. Criteria: Invitae Variant Classification Sherloc (09022015). Collection method: clinical testing. Allele origin: germline.
Comment: This sequence change replaces arginine, which is basic and polar, with cysteine, which is neutral and slightly polar, at codon 1777 of the CACNA1B protein (p.Arg1777Cys). This variant is not present in population databases (gnomAD no frequency). This variant has not been reported in the literature in individuals affected with CACNA1B-related conditions. ClinVar contains an entry for this variant (Variation ID: 1932942). Invitae Evidence Modeling of protein sequence and biophysical properties (such as structural, functional, and spatial information, amino acid conservation, physicochemical variation, residue mobility, and thermodynamic stability) indicates that this missense variant is not expected to disrupt CACNA1B protein function with a negative predictive value of 80%. In summary, the available evidence is currently insufficient to determine the role of this variant in disease. Therefore, it has been classified as a Variant of Uncertain Significance.

NM_000718.4(CACNA1B):c.5329C>T (p.Arg1777Cys)

Gene: CACNA1B (calcium voltage-gated channel subunit alpha1 B; plus strand). Cytogenetic location: 9q34.3.
Variant type: single nucleotide variant.
Coding change: c.5329C>T on transcript NM_000718.4 (MANE Select); coding-DNA position 5329, C replaced by T.
Protein change: p.Arg1777Cys; replaces arginine 1777 with cysteine.
Molecular consequence: missense variant.
Genome position (GRCh38, 1-based): chr9:138,105,708, C>T. VCF-style: chr9-138105708-C-T. GRCh37 (hg19) VCF-style: chr9-141000160-C-T.
Other names: c.5329C>T, p.Arg1777Cys (NM_001243812.2); short protein forms R1777C.
Identifiers: ClinVar variation 1932942 (VCV001932942.3), dbSNP rs2539573831, ClinGen allele CA375813859.
Genomic context (GRCh38, chr9:138,105,708, plus strand): 5'-TGGGGGGTGACCCCAGCAGGCCTGGCCCTGACCGGCCCTGCTTGTCCCTAGCGCCTGGTT[C>T]GCATGAACATGCCCATCTCCAACGAGGACATGACTGTTCACTTCACGTCCACGCTGATGG-3'
Protein context (NP_000709.1, residues 1767-1787): PARVAYKRLV[Arg1777Cys]MNMPISNEDM